The following is an entry in ClinVar:

ClinVar aggregate classification (germline): Benign/Likely benign. Review status: criteria provided, multiple submitters, no conflicts (2 of 4 stars). 8 submissions from 8 submitters: Benign (2); Likely benign (5). 1 of the submissions does not count toward it. Last evaluated 2025-12-19.

Conditions:
Hereditary cancer-predisposing syndrome. Also called: Tumor predisposition; Hereditary Cancer Syndrome; Hereditary neoplastic syndrome; Neoplastic Syndromes, Hereditary. Identifiers: Orphanet 140162, MedGen C0027672, MeSH D009386, MONDO:0015356.
Hereditary diffuse gastric adenocarcinoma (HDGC). Also called: DIFFUSE GASTRIC AND LOBULAR BREAST CANCER SYNDROME. Identifiers: Orphanet 26106, MedGen C1708349, MONDO:0007648, OMIM 137215.
Malignant tumor of breast. Also called: Cancer breast; Malignant breast neoplasm. Identifiers: MedGen C0006142, MONDO:0007254. Disease mechanism: loss of function.

Allele frequency attached by ClinVar (database versions not stated): TOPMed below 0.00001; gnomAD 0.00001.
gnomAD v4.1: 6 of 1,551,036 alleles (0.00039%); highest among the groups gnomAD compares: East Asian, 0.0049%; no homozygotes.

Submissions (8):

Women's Health and Genetics/Laboratory Corporation of America, LabCorp
Classification: Likely benign. Last evaluated: 2025-12-19. Review status: criteria provided, single submitter. Criteria: LabCorp Variant Classification Summary - May 2015. Collection method: clinical testing. Allele origin: germline.

Labcorp Genetics (formerly Invitae), Labcorp
Classification: Likely benign for Hereditary diffuse gastric adenocarcinoma. Last evaluated: 2025-12-01. Review status: criteria provided, single submitter. Criteria: Invitae Variant Classification Sherloc (09022015). Collection method: clinical testing. Allele origin: germline.

Myriad Genetics, Inc.
Classification: Benign for Hereditary diffuse gastric adenocarcinoma. Last evaluated: 2024-09-11. Review status: criteria provided, single submitter. Criteria: Myriad Autosomal Dominant, Autosomal Recessive and X-Linked Classification Criteria (2023). Collection method: clinical testing. Allele origin: unknown.
Comment: This variant is considered benign. This variant is a silent/synonymous amino acid change and it is not expected to impact splicing.

Quest Diagnostics Nichols Institute San Juan Capistrano
Classification: Likely benign. Last evaluated: 2019-04-15. Review status: criteria provided, single submitter. Criteria: Quest Diagnostics criteria. Collection method: clinical testing. Allele origin: germline.

Color Diagnostics, LLC DBA Color Health
Classification: Likely benign for Hereditary cancer-predisposing syndrome. Last evaluated: 2018-02-16. Review status: criteria provided, single submitter. Criteria: ACMG Guidelines, 2015. Collection method: clinical testing. Allele origin: germline.

Ambry Genetics
Classification: Likely benign for Hereditary cancer-predisposing syndrome. Last evaluated: 2017-03-29. Review status: criteria provided, single submitter. Criteria: Ambry Variant Classification Scheme 2023. Collection method: clinical testing. Allele origin: germline.

GeneDx
Classification: Benign. Last evaluated: 2015-04-13. Review status: criteria provided, single submitter. Criteria: GeneDx Variant Classification Process June 2021. Collection method: clinical testing. Allele origin: germline. Affected: yes.

Department of Pathology and Laboratory Medicine, Sinai Health System
Classification: Likely benign for Malignant tumor of breast. Review status: no assertion criteria provided. Collection method: clinical testing. Allele origin: unknown. Affected: yes. Study: The Canadian Open Genetics Repository (COGR). Not counted in ClinVar's aggregate classification.
Comment: The CDH1 p.Thr38= variant was not identified in the literature, nor was it identified in COSMIC, Zhejiang Colon Cancer Databases. The variant was identified in dbSNP (ID: rs786201492) as With Likely benign allele, Clinvar database (classified as likely benign by Ambry Genetics, Invitae), Clinvitae databases. The variant was identified in control databases in 1 of 30924 chromosomes at a frequency of 0.00003 (Genome Aggregation Database Feb 27, 2017). Breakdown of the observations by population include East Asian in 1 of 1620 chromosomes (freq: 0.0006), while the variant was not observed in the African, Other, Latino, European, Ashkenazi Jewish, Finnish, and South Asian populations. The p.Thr38= variant is not expected to have clinical significance because it does not result in a change of amino acid and is not located in a known consensus splice site. In addition, in silico or computational prediction software programs (SpliceSiteFinder, MaxEntScan, NNSPLICE, GeneSplicer, HumanSpliceFinder) do not predict a difference in splicing. In summary, based on the above information, the clinical significance of this variant cannot be determined with certainty at this time although we would lean towards a more benign role for this variant. This variant is classified as likely benign.

NM_004360.5(CDH1):c.114G>C (p.Thr38=)

Gene: CDH1 (cadherin 1; plus strand). Cytogenetic location: 16q22.1.
Variant type: single nucleotide variant.
Coding change: c.114G>C on transcript NM_004360.5 (MANE Select); coding-DNA position 114, G replaced by C.
Protein change: p.Thr38=; no amino-acid change (threonine 38 retained).
Molecular consequence: synonymous variant. On other transcripts: 5 prime UTR variant (2).
Genome position (GRCh38, 1-based): chr16:68,738,362, G>C. VCF-style: chr16-68738362-G-C. GRCh37 (hg19) VCF-style: chr16-68772265-G-C.
Other names: c.114G>C (LRG_301t1); c.114G>C, p.Thr38= (NM_001317184.2); c.-1502G>C (NM_001317185.2); c.-1706G>C (NM_001317186.2).
Identifiers: ClinVar variation 184482 (VCV000184482.25), dbSNP rs786201492, ClinGen allele CA189090.